The following is an entry in ClinVar:

ClinVar aggregate classification (germline): Uncertain significance (1 of 4 stars; one submission).

Conditions:
Kleefstra syndrome 1 (KLEFS1). Identifiers: Orphanet 261494, MedGen C0795833, MONDO:0027407, OMIM 610253.

Submission:

Labcorp Genetics (formerly Invitae), Labcorp
Classification: Uncertain significance for Kleefstra syndrome 1. Last evaluated: 2025-12-08. Review status: criteria provided, single submitter. Criteria: Invitae Variant Classification Sherloc (09022015). Collection method: clinical testing. Allele origin: germline.
Comment: This sequence change replaces isoleucine, which is neutral and non-polar, with valine, which is neutral and non-polar, at codon 91 of the EHMT1 protein (p.Ile91Val). This variant is not present in population databases (gnomAD no frequency). This variant has not been reported in the literature in individuals affected with EHMT1-related conditions. ClinVar contains an entry for this variant (Variation ID: 1716971). An algorithm developed to predict the effect of missense changes on protein structure and function outputs the following: PolyPhen-2: "Benign". The valine amino acid residue is found in multiple mammalian species, which suggests that this missense change does not adversely affect protein function. In summary, the available evidence is currently insufficient to determine the role of this variant in disease. Therefore, it has been classified as a Variant of Uncertain Significance.

NM_024757.5(EHMT1):c.271A>G (p.Ile91Val)

Gene: EHMT1 (euchromatic histone lysine methyltransferase 1; plus strand). Cytogenetic location: 9q34.3.
Variant type: single nucleotide variant.
Coding change: c.271A>G on transcript NM_024757.5 (MANE Select); coding-DNA position 271, A replaced by G.
Protein change: p.Ile91Val; replaces isoleucine 91 with valine.
Molecular consequence: missense variant.
Genome position (GRCh38, 1-based): chr9:137,716,811, A>G. VCF-style: chr9-137716811-A-G. GRCh37 (hg19) VCF-style: chr9-140611263-A-G.
Other names: c.271A>G, p.Ile91Val (NM_001145527.2, NM_001354263.2, NM_001354611.2); c.178A>G, p.Ile60Val (NM_001354259.2, NM_001354612.2); short protein forms I60V, I91V.
Identifiers: ClinVar variation 1716971 (VCV001716971.6), dbSNP rs144949902, ClinGen allele CA375763847.